The following is an entry in ClinVar:

ClinVar aggregate classification (germline): Pathogenic (3 of 4 stars; one submission).

Conditions:
Phenylketonuria (PKU). Also called: Phenylketonurias; Phenylketonuria (PKU); OLIGOPHRENIA PHENYLPYRUVICA; FOLLING DISEASE. Identifiers: Orphanet 716, MedGen C0031485, MONDO:0009861, OMIM 261600. Disease mechanism: loss of function.

Submission:

ClinGen PAH Variant Curation Expert Panel
Classification: Pathogenic for Phenylketonuria. Last evaluated: 2020-06-05. Review status: reviewed by expert panel. Criteria: ClinGen PAH ACMG Specifications v1. Collection method: curation. Allele origin: germline. Inheritance: Autosomal recessive inheritance.
Comment: The p.Ex6_7_8del (c.510-735_912+434del) variant is a 4799bp deletion in PAH, a gene where loss of function is a known disease mechanism, and is predicted to lead to a frameshift at Gly171, premature protein truncation, and NMD (PVS1). It is absent from ethnically diverse control databases, including gnomAD (structural variant version, gnomAD SVs v2.1) (PM2). It has been previously reported in one patient with PKU (BH4 deficiency excluded by sequencing of the genes in the BH4 cofactor metabolism pathway) (PP4_Moderate) (PMID: 23942198) in presumed trans with the p.F55L variant (Pathogenic per PAH VCEP) (0.5 points; PM3_Supporting). Classification: Pathogenic Supporting Criteria: PVS1; PM2; PP4_Moderate; PM3_Supporting

NM_000277.3(PAH):c.510-735_912+434del

Genes: PAH (phenylalanine hydroxylase; minus strand), LOC126861615 (CDK7 strongly-dependent group 2 enhancer GRCh37_chr12:103244689-103245888; plus strand). Cytogenetic location: 12q23.2.
Variant type: Deletion.
Coding change: c.510-735_912+434del on transcript NM_000277.3 (MANE Select); 735 bases into the intron before coding-DNA position 510 through 434 bases into the intron after coding-DNA position 912, 4,815 bases deleted.
Molecular consequence: splice acceptor variant, splice donor variant.
Genome position (GRCh38, 1-based): chr12:102,851,253-102,856,067, 4,815 bases deleted. GRCh37 (hg19): chr12:103,245,031-103,249,845.
Other names: c.510-735_912+434del (NM_001354304.2).
Identifiers: ClinVar variation 1065384 (VCV001065384.1), ClinGen allele CA916084430.